The following is an entry in ClinVar:

ClinVar aggregate classification (germline): Uncertain significance (1 of 4 stars; one submission).

Allele frequency attached by ClinVar (database versions not stated): gnomAD exomes below 0.00001; ExAC 0.00001.
gnomAD v4.1: 3 of 1,613,718 alleles (0.00019%); highest among the groups gnomAD compares: Non-Finnish European, 0.00025%; no homozygotes.

Submission:

GeneDx
Classification: Uncertain significance. Last evaluated: 2023-05-02. Review status: criteria provided, single submitter. Criteria: GeneDx Variant Classification Process June 2021. Collection method: clinical testing. Allele origin: germline. Affected: yes.
Comment: Not observed at significant frequency in large population cohorts (gnomAD); In silico analysis supports that this missense variant has a deleterious effect on protein structure/function; Has not been previously published as pathogenic or benign to our knowledge

NM_006922.4(SCN3A):c.3424A>C (p.Ser1142Arg)

Gene: SCN3A (sodium voltage-gated channel alpha subunit 3; minus strand). Cytogenetic location: 2q24.3.
Variant type: single nucleotide variant.
Coding change: c.3424A>C on transcript NM_006922.4 (MANE Select); coding-DNA position 3424, A replaced by C.
Protein change: p.Ser1142Arg; replaces serine 1142 with arginine.
Molecular consequence: missense variant.
Genome position (GRCh38, 1-based): chr2:165,115,545, T>G on the plus strand (A>C on the coding strand, the complement: SCN3A is on the minus strand). VCF-style: chr2-165115545-T-G. GRCh37 (hg19) VCF-style: chr2-165972055-T-G.
Other names: c.3277A>C, p.Ser1093Arg (NM_001081676.2, NM_001081677.2); short protein forms S1093R, S1142R.
Identifiers: ClinVar variation 2663392 (VCV002663392.1), dbSNP rs776471756, ClinGen allele CA1938793.